The following is an entry in ClinVar:

NM_199242.3(UNC13D):c.3260G>A (p.Arg1087Gln)

Gene: UNC13D (unc-13 homolog D; minus strand). Cytogenetic location: 17q25.1.
Variant type: single nucleotide variant.
Coding change: c.3260G>A on transcript NM_199242.3 (MANE Select); coding-DNA position 3260, G replaced by A.
Protein change: p.Arg1087Gln; replaces arginine 1087 with glutamine.
Molecular consequence: missense variant.
Genome position (GRCh38, 1-based): chr17:75,827,978, C>T on the plus strand (G>A on the coding strand, the complement: UNC13D is on the minus strand). VCF-style: chr17-75827978-C-T. GRCh37 (hg19) VCF-style: chr17-73824059-C-T.
Other names: short protein forms R1087Q.
Identifiers: ClinVar variation 325241 (VCV000325241.10), dbSNP rs760766927, ClinGen allele CA8772203.

ClinVar aggregate classification (germline): Conflicting classifications of pathogenicity. Review status: criteria provided, conflicting classifications (1 of 4 stars). 3 submissions from 3 submitters: Uncertain significance (2); Likely benign (1). Last evaluated 2024-09-24.

Conditions:
Familial hemophagocytic lymphohistiocytosis 3 (FHL3). Also called: UNC13D-Related Familial Hemophagocytic Lymphohistiocytosis (UNC13D-fHLH). Identifiers: Orphanet 540, MedGen C1837174, MONDO:0012146, OMIM 608898.

Allele frequency attached by ClinVar (database versions not stated): TOPMed 0.00002; gnomAD 0.00003; gnomAD exomes 0.00005; ExAC 0.00010.
gnomAD v4.1: 58 of 1,605,908 alleles (0.0036%); highest among the groups gnomAD compares: Middle Eastern, 0.019%; no homozygotes.

Submissions (3):

Blueprint Genetics
Classification: Likely benign. Last evaluated: 2024-09-24. Review status: criteria provided, single submitter. Criteria: ACMG Guidelines, 2015. Collection method: clinical testing. Allele origin: germline.

Labcorp Genetics (formerly Invitae), Labcorp
Classification: Uncertain significance for Familial hemophagocytic lymphohistiocytosis 3. Last evaluated: 2022-07-17. Review status: criteria provided, single submitter. Criteria: Invitae Variant Classification Sherloc (09022015). Collection method: clinical testing. Allele origin: germline.
Comment: This sequence change replaces arginine, which is basic and polar, with glutamine, which is neutral and polar, at codon 1087 of the UNC13D protein (p.Arg1087Gln). This variant is present in population databases (rs760766927, gnomAD 0.04%). This variant has not been reported in the literature in individuals affected with UNC13D-related conditions. ClinVar contains an entry for this variant (Variation ID: 325241). Algorithms developed to predict the effect of missense changes on protein structure and function output the following: SIFT: "Not Available"; PolyPhen-2: "Benign"; Align-GVGD: "Not Available". The glutamine amino acid residue is found in multiple mammalian species, which suggests that this missense change does not adversely affect protein function. Algorithms developed to predict the effect of sequence changes on RNA splicing suggest that this variant may create or strengthen a splice site. In summary, the available evidence is currently insufficient to determine the role of this variant in disease. Therefore, it has been classified as a Variant of Uncertain Significance.

Illumina Laboratory Services, Illumina
Classification: Uncertain significance for Familial hemophagocytic lymphohistiocytosis 3. Last evaluated: 2018-01-13. Review status: criteria provided, single submitter. Criteria: ICSL Variant Classification Criteria 13 December 2019. Collection method: clinical testing. Allele origin: germline.